The following is an entry in ClinVar:

NM_001184.4(ATR):c.379A>G (p.Ile127Val)

Gene: ATR (ATR checkpoint kinase; minus strand). Cytogenetic location: 3q23.
Variant type: single nucleotide variant.
Coding change: c.379A>G on transcript NM_001184.4 (MANE Select); coding-DNA position 379, A replaced by G.
Protein change: p.Ile127Val; replaces isoleucine 127 with valine.
Molecular consequence: missense variant.
Genome position (GRCh38, 1-based): chr3:142,563,023, T>C on the plus strand (A>G on the coding strand, the complement: ATR is on the minus strand). VCF-style: chr3-142563023-T-C. GRCh37 (hg19) VCF-style: chr3-142281865-T-C.
Other names: c.379A>G, p.Ile127Val (NM_001354579.2); short protein forms I127V.
Identifiers: ClinVar variation 1314469 (VCV001314469.3), dbSNP rs2108488719, ClinGen allele CA354827220.

ClinVar aggregate classification (germline): Uncertain significance. Review status: criteria provided, multiple submitters, no conflicts (2 of 4 stars). 2 submissions from 2 submitters: Uncertain significance (2). Last evaluated 2023-12-14.

Conditions:
Inborn genetic diseases. Identifiers: MedGen C0950123, MeSH D030342.

Allele frequency attached by ClinVar (database versions not stated): gnomAD exomes below 0.00001.
gnomAD v4.1: 1 of 1,600,358 alleles (0.000062%); highest among the groups gnomAD compares: East Asian, 0.0022%; no homozygotes.

Submissions (2):

Ambry Genetics
Classification: Uncertain significance for Inborn genetic diseases. Last evaluated: 2023-12-14. Review status: criteria provided, single submitter. Criteria: Ambry Variant Classification Scheme 2023. Collection method: clinical testing. Allele origin: germline.
Comment: The p.I127V variant (also known as c.379A>G), located in coding exon 4 of the ATR gene, results from an A to G substitution at nucleotide position 379. The isoleucine at codon 127 is replaced by valine, an amino acid with highly similar properties. This amino acid position is conserved. In addition, this alteration is predicted to be tolerated by in silico analysis. Since supporting evidence is limited at this time, the clinical significance of this alteration remains unclear.

GeneDx
Classification: Uncertain significance. Last evaluated: 2021-04-06. Review status: criteria provided, single submitter. Criteria: GeneDx Variant Classification Process June 2021. Collection method: clinical testing. Allele origin: germline. Affected: yes.
Comment: Not observed in large population cohorts (Lek et al., 2016); In silico analysis supports that this missense variant does not alter protein structure/function; Has not been previously published as pathogenic or benign to our knowledge